The following is an entry in ClinVar:

NM_014476.6(PDLIM3):c.952T>G (p.Phe318Val)

Gene: PDLIM3 (PDZ and LIM domain 3; minus strand). Cytogenetic location: 4q35.1.
Variant type: single nucleotide variant.
Coding change: c.952T>G on transcript NM_014476.6 (MANE Select); coding-DNA position 952, T replaced by G.
Protein change: p.Phe318Val; replaces phenylalanine 318 with valine.
Molecular consequence: missense variant. On other transcripts: non-coding transcript variant (1).
Genome position (GRCh38, 1-based): chr4:185,502,437, A>C on the plus strand (T>G on the coding strand, the complement: PDLIM3 is on the minus strand). VCF-style: chr4-185502437-A-C. GRCh37 (hg19) VCF-style: chr4-186423591-A-C.
Other names: c.808T>G, p.Phe270Val (NM_001114107.5); c.688T>G, p.Phe230Val (NM_001257962.2); c.451T>G, p.Phe151Val (NM_001257963.2); short protein forms F230V, F318V, F151V, F270V.
Identifiers: ClinVar variation 3416597 (VCV003416597.1).

ClinVar aggregate classification (germline): Uncertain significance (1 of 4 stars; one submission).

Submission:

Ambry Genetics
Classification: Uncertain significance. Last evaluated: 2024-07-28. Review status: criteria provided, single submitter. Criteria: Ambry Variant Classification Scheme 2023. Collection method: clinical testing. Allele origin: germline.
Comment: The p.F318V variant (also known as c.952T>G), located in coding exon 8 of the PDLIM3 gene, results from a T to G substitution at nucleotide position 952. The phenylalanine at codon 318 is replaced by valine, an amino acid with highly similar properties. This amino acid position is conserved. In addition, this alteration is predicted to be deleterious by in silico analysis. Based on the available evidence, the clinical significance of this variant remains unclear.